The following is an entry in ClinVar:

NM_025114.4(CEP290):c.4380T>C (p.Ile1460=)

Gene: CEP290 (centrosomal protein 290; minus strand). Cytogenetic location: 12q21.32.
Variant type: single nucleotide variant.
Coding change: c.4380T>C on transcript NM_025114.4 (MANE Select); coding-DNA position 4380, T replaced by C.
Protein change: p.Ile1460=; no amino-acid change (isoleucine 1460 retained).
Molecular consequence: synonymous variant.
Genome position (GRCh38, 1-based): chr12:88,086,096, A>G on the plus strand (T>C on the coding strand, the complement: CEP290 is on the minus strand). VCF-style: chr12-88086096-A-G. GRCh37 (hg19) VCF-style: chr12-88479873-A-G.
Other names: c.4380T>C (NM_025114.3).
Identifiers: ClinVar variation 2928989 (VCV002928989.4), dbSNP rs1014763442, ClinGen allele CA481076806.
Genomic context (GRCh38, chr12:88,086,096, plus strand): 5'-TACCTCTTCTAGTGATTTGCAAGTTGCCCGTGTTTCTAGAATTATTCGAATGTTCTCCTT[A>G]ATTTTCCTTAGAGCGATCTCAAGTTGATTTGGAAGGGGCAAACTAGGGTCAGGGATTGAT-3'
Protein context (NP_079390.3, residues 1450-1470): PNQLEIALRK[Ile1460=]KENIRIILET

ClinVar aggregate classification (germline): Likely benign. Review status: criteria provided, single submitter (1 of 4 stars). 2 submissions from 2 submitters: Likely benign (1). 1 of the submissions does not count toward it. Last evaluated 2023-11-20.

Conditions:
CEP290-related disorder. Also called: CEP290-related condition; CEP290-related disorders. Identifiers: MedGen CN239314.
Joubert syndrome. Also called: CEREBELLOPARENCHYMAL DISORDER IV; JOUBERT-BOLTSHAUSER SYNDROME; Familial aplasia of the vermis. Identifiers: Orphanet 475, MedGen C5979921, MONDO:0018772.
Nephronophthisis. Also called: Juvenile Nephronophthisis. Identifiers: Orphanet 655, MedGen C0687120, MONDO:0019005, HP:0000090.
Meckel-Gruber syndrome. Also called: DYSENCEPHALIA SPLANCHNOCYSTICA; GRUBER SYNDROME; Dysencephalia splachnocystica. Identifiers: Orphanet 564, MedGen C0265215, MONDO:0018921.

Submissions (2):

Labcorp Genetics (formerly Invitae), Labcorp
Classification: Likely benign for Joubert syndrome; Meckel-Gruber syndrome; Nephronophthisis. Last evaluated: 2023-11-20. Review status: criteria provided, single submitter. Criteria: Invitae Variant Classification Sherloc (09022015). Collection method: clinical testing. Allele origin: germline.

PreventionGenetics, part of Exact Sciences
Classification: Likely benign for CEP290-related condition. Last evaluated: 2021-11-08. Review status: no assertion criteria provided. Collection method: clinical testing. Allele origin: germline. Not counted in ClinVar's aggregate classification.
Comment: This variant is classified as likely benign based on ACMG/AMP sequence variant interpretation guidelines (Richards et al. 2015 PMID: 25741868, with internal and published modifications).